The following is an entry in ClinVar:

ClinVar aggregate classification (germline): Benign (1 of 4 stars; one submission).

Allele frequency attached by ClinVar (database versions not stated): 1000 Genomes Project 30x 0.00328; 1000 Genomes Project 0.00339; TOPMed 0.00646; gnomAD 0.00658; ExAC 0.00711; ESP Exome Variant Server 0.00861; gnomAD exomes 0.00976.

Submission:

CeGaT Center for Human Genetics Tuebingen
Classification: Benign. Last evaluated: 2024-01-01. Review status: criteria provided, single submitter. Criteria: CeGaT Center For Human Genetics Tuebingen Variant Classification Criteria Version 2. Collection method: clinical testing. Allele origin: germline. Affected: yes. Observed: 1 variant allele.
Comment: CCDC6: BS1, BS2

NM_005436.5(CCDC6):c.1337C>T (p.Pro446Leu)

Gene: CCDC6 (coiled-coil domain containing 6; minus strand). Cytogenetic location: 10q21.2.
Variant type: single nucleotide variant.
Coding change: c.1337C>T on transcript NM_005436.5 (MANE Select); coding-DNA position 1337, C replaced by T.
Protein change: p.Pro446Leu; replaces proline 446 with leucine.
Molecular consequence: missense variant.
Genome position (GRCh38, 1-based): chr10:59,793,005, G>A on the plus strand (C>T on the coding strand, the complement: CCDC6 is on the minus strand). VCF-style: chr10-59793005-G-A. GRCh37 (hg19) VCF-style: chr10-61552763-G-A.
Other names: short protein forms P446L.
Identifiers: ClinVar variation 3024687 (VCV003024687.22), dbSNP rs61740504, ClinGen allele CA5510238.
Genomic context (GRCh38, chr10:59,793,005, plus strand): 5'-TGTTGCGAAGGAGTAGGCTGCGAGGTGGCTGCTGAGGGGACCGTGGGCTGCATGGGTGGC[G>A]GAGGTGGAGGCGGAGGTGGCTGGACTGGGGTCTGTGTGTTGGGAGATGGAGGCGGCGTGG-3'
Protein context (NP_005427.2, residues 436-456): TPVQPPPPPP[Pro446Leu]PPMQPTVPSA